The following is an entry in ClinVar:

ClinVar aggregate classification (germline): Uncertain significance (1 of 4 stars; one submission).

Conditions:
Leber congenital amaurosis 1 (LCA1). Also called: AMAUROSIS CONGENITA OF LEBER I; RETINAL BLINDNESS, CONGENITAL; Congenital absence of the rods and cones; Leber's congenital tapetoretinal degeneration; Leber's congenital tapetoretinal dysplasia. Identifiers: Orphanet 65, MedGen C2931258, MONDO:0008764, OMIM 204000.
Cone-rod dystrophy 6 (CORD6). Also called: RETINAL CONE DYSTROPHY 2; Cone dystrophy progressive. Identifiers: Orphanet 1872, MedGen C1866293, MONDO:0011143, OMIM 601777.

Submission:

Labcorp Genetics (formerly Invitae), Labcorp
Classification: Uncertain significance for Leber congenital amaurosis 1; Cone-rod dystrophy 6. Last evaluated: 2025-06-12. Review status: criteria provided, single submitter. Criteria: Invitae Variant Classification Sherloc (09022015). Collection method: clinical testing. Allele origin: germline.
Comment: This sequence change replaces arginine, which is basic and polar, with leucine, which is neutral and non-polar, at codon 812 of the GUCY2D protein (p.Arg812Leu). This variant is not present in population databases (gnomAD no frequency). This variant has not been reported in the literature in individuals affected with GUCY2D-related conditions. Invitae Evidence Modeling of protein sequence and biophysical properties (such as structural, functional, and spatial information, amino acid conservation, physicochemical variation, residue mobility, and thermodynamic stability) indicates that this missense variant is not expected to disrupt GUCY2D protein function with a negative predictive value of 80%. In summary, the available evidence is currently insufficient to determine the role of this variant in disease. Therefore, it has been classified as a Variant of Uncertain Significance.

NM_000180.4(GUCY2D):c.2435G>T (p.Arg812Leu)

Gene: GUCY2D (guanylate cyclase 2D, retinal; plus strand). Cytogenetic location: 17p13.1.
Variant type: single nucleotide variant.
Coding change: c.2435G>T on transcript NM_000180.4 (MANE Select); coding-DNA position 2435, G replaced by T.
Protein change: p.Arg812Leu; replaces arginine 812 with leucine.
Molecular consequence: missense variant.
Genome position (GRCh38, 1-based): chr17:8,014,623, G>T. VCF-style: chr17-8014623-G-T. GRCh37 (hg19) VCF-style: chr17-7917941-G-T.
Other names: short protein forms R812L.
Identifiers: ClinVar variation 4782632 (VCV004782632.1).